The following is an entry in ClinVar:

NM_001351601.3(INTS6L):c.830A>T (p.Asn277Ile)

Gene: INTS6L (integrator complex subunit 6 like; plus strand). Cytogenetic location: Xq26.3.
Variant type: single nucleotide variant.
Coding change: c.830A>T on transcript NM_001351601.3 (MANE Select); coding-DNA position 830, A replaced by T.
Protein change: p.Asn277Ile; replaces asparagine 277 with isoleucine.
Molecular consequence: missense variant. On other transcripts: non-coding transcript variant (1).
Genome position (GRCh38, 1-based): chrX:135,549,729, A>T. VCF-style: chrX-135549729-A-T. GRCh37 (hg19) VCF-style: chrX-134683654-A-T.
Other names: c.830A>T, p.Asn277Ile (NM_001351603.3, NM_001351604.3, NM_001351605.3 and 1 more transcripts); c.236A>T, p.Asn79Ile (NM_001351606.3); short protein forms N277I, N79I.
Identifiers: ClinVar variation 3771336 (VCV003771336.13).

ClinVar aggregate classification (germline): Likely benign (1 of 4 stars; one submission).

gnomAD v4.1: 31 of 1,210,710 alleles (0.0026%); highest among the groups gnomAD compares: Middle Eastern, 0.046%; no homozygotes.

Submission:

CeGaT Center for Human Genetics Tuebingen
Classification: Likely benign. Last evaluated: 2025-01-01. Review status: criteria provided, single submitter. Criteria: CeGaT Center For Human Genetics Tuebingen Variant Classification Criteria Version 2. Collection method: clinical testing. Allele origin: germline. Affected: yes. Observed: 2 variant alleles.
Comment: INTS6L: BS2